The following is an entry in ClinVar:

ClinVar aggregate classification (germline): Pathogenic (1 of 4 stars; one submission).

Conditions:
Episodic ataxia type 2 (EA2). Also called: ATAXIA, EPISODIC, WITH NYSTAGMUS; ATAXIA, FAMILIAL PAROXYSMAL; CEREBELLAR ATAXIA, PAROXYSMAL, ACETAZOLAMIDE-RESPONSIVE; CEREBELLOPATHY, HEREDITARY PAROXYSMAL; EPISODIC ATAXIA, NYSTAGMUS-ASSOCIATED; ACETAZOLAMIDE-RESPONSIVE HEREDITARY PAROXYSMAL CEREBELLAR ATAXIA. Identifiers: Orphanet 97, MedGen C1720416, MONDO:0007163, OMIM 108500.
Developmental and epileptic encephalopathy, 42 (DEE42A). Also called: DEVELOPMENTAL AND EPILEPTIC ENCEPHALOPATHY 42A; EPILEPTIC ENCEPHALOPATHY, EARLY INFANTILE, 42A; Epileptic encephalopathy, early infantile, 42. Identifiers: MedGen C4310716, MONDO:0014917, OMIM 617106.

Submission:

Labcorp Genetics (formerly Invitae), Labcorp
Classification: Pathogenic for Developmental and epileptic encephalopathy, 42; Episodic ataxia type 2. Last evaluated: 2022-06-20. Review status: criteria provided, single submitter. Criteria: Invitae Variant Classification Sherloc (09022015). Collection method: clinical testing. Allele origin: germline.
Comment: For these reasons, this variant has been classified as Pathogenic. This variant has not been reported in the literature in individuals affected with CACNA1A-related conditions. This variant is not present in population databases (gnomAD no frequency). This sequence change creates a premature translational stop signal (p.Gly293Argfs*30) in the CACNA1A gene. It is expected to result in an absent or disrupted protein product. Loss-of-function variants in CACNA1A are known to be pathogenic (PMID: 10371528, 19486177, 25735478, 27250579).

Literature cited by the submitters: PubMed 10371528; PubMed 19486177; PubMed 25735478; PubMed 27250579.

NM_001127222.2(CACNA1A):c.876dup (p.Gly293fs)

Gene: CACNA1A (calcium voltage-gated channel subunit alpha1 A; minus strand). Cytogenetic location: 19p13.13.
Variant type: Duplication.
Coding change: c.876dup on transcript NM_001127222.2 (MANE Select); coding-DNA position 876, one base duplicated (A; older notation c.876dupA).
Protein change: p.Gly293fs; shifts the reading frame from glycine 293.
Molecular consequence: frameshift variant.
Genome position (GRCh38, 1-based): chr19:13,359,708, T duplicated on the plus strand (A on the coding strand, the reverse complement: CACNA1A is on the minus strand); the first of 2 consecutive T bases (chr19:13,359,708-13,359,709); duplicating either gives the same sequence. VCF-style (leftmost placement, unchanged base first): chr19-13359707-C-CT. GRCh37 (hg19) VCF-style: chr19-13470521-C-CT.
Other names: c.876dup, p.Gly293fs (NM_000068.4, NM_001127221.2, NM_001174080.2 and 1 more transcripts); short protein forms G293fs.
Identifiers: ClinVar variation 1376008 (VCV001376008.6), dbSNP rs2145245392, ClinGen allele CA2573156131.